The following is an entry in ClinVar:

NM_001852.4(COL9A2):c.1306G>A (p.Gly436Arg)

Gene: COL9A2 (collagen type IX alpha 2 chain; minus strand). Cytogenetic location: 1p34.2.
Variant type: single nucleotide variant.
Coding change: c.1306G>A on transcript NM_001852.4 (MANE Select); coding-DNA position 1306, G replaced by A.
Protein change: p.Gly436Arg; replaces glycine 436 with arginine.
Molecular consequence: missense variant.
Genome position (GRCh38, 1-based): chr1:40,304,081, C>T on the plus strand (G>A on the coding strand, the complement: COL9A2 is on the minus strand). VCF-style: chr1-40304081-C-T. GRCh37 (hg19) VCF-style: chr1-40769753-C-T.
Other names: c.1306G>A (NM_001852.3); short protein forms G436R.
Identifiers: ClinVar variation 1466444 (VCV001466444.9), dbSNP rs1316869117, ClinGen allele CA339880460.
Genomic context (GRCh38, chr1:40,304,081, plus strand): 5'-AGCAGGGTTGGGGGTCGCTGGGAACAGGGGTGCTGGAACTCACCACTTTGCCGCGGGGCC[C>T]GGTCTTCCCTGGGGAGCCCTGGAGAAAGCGGGCAGTGAGGGGTTTGGCGAGCTCCCCCCT-3'
Protein context (NP_001843.1, residues 426-446): KGDKGSPGKT[Gly436Arg]PRGKVGDPGV

ClinVar aggregate classification (germline): Uncertain significance. Review status: criteria provided, multiple submitters, no conflicts (2 of 4 stars). 3 submissions from 3 submitters: Uncertain significance (3). Last evaluated 2026-08-18.

Conditions:
Inborn genetic diseases. Identifiers: MedGen C0950123, MeSH D030342.

Allele frequency attached by ClinVar (database versions not stated): TOPMed 0.00002; gnomAD 0.00001.
gnomAD v4.1: 30 of 1,572,460 alleles (0.0019%); highest among the groups gnomAD compares: Non-Finnish European, 0.0026%; no homozygotes.

Submissions (3):

Ambry Genetics
Classification: Uncertain significance for Inborn genetic diseases. Last evaluated: 2026-08-18. Review status: criteria provided, single submitter. Criteria: Ambry Variant Classification Scheme 2023. Collection method: clinical testing. Allele origin: germline.
Comment: The c.1306G>A (p.G436R) alteration is located in exon 25 (coding exon 25) of the COL9A2 gene. This alteration results from a G to A substitution at nucleotide position 1306, causing the glycine (G) at amino acid position 436 to be replaced by an arginine (R). Based on data from gnomAD, the A allele has an overall frequency of <0.001% (1/182188) total alleles studied. The highest observed frequency was 0.001% (1/77954) of European (non-Finnish) alleles. Based on insufficient or conflicting evidence, the clinical significance of this alteration remains unclear.

Labcorp Genetics (formerly Invitae), Labcorp
Classification: Uncertain significance. Last evaluated: 2025-10-23. Review status: criteria provided, single submitter. Criteria: Invitae Variant Classification Sherloc (09022015). Collection method: clinical testing. Allele origin: germline.
Comment: This sequence change replaces glycine, which is neutral and non-polar, with arginine, which is basic and polar, at codon 436 of the COL9A2 protein (p.Gly436Arg). The frequency data for this variant in the population databases is considered unreliable, as metrics indicate poor data quality at this position in the gnomAD database. This variant has not been reported in the literature in individuals affected with COL9A2-related conditions. ClinVar contains an entry for this variant (Variation ID: 1466444). Invitae Evidence Modeling of protein sequence and biophysical properties (such as structural, functional, and spatial information, amino acid conservation, physicochemical variation, residue mobility, and thermodynamic stability) indicates that this missense variant is expected to disrupt COL9A2 protein function with a positive predictive value of 95%. In summary, the available evidence is currently insufficient to determine the role of this variant in disease. Therefore, it has been classified as a Variant of Uncertain Significance.

GeneDx
Classification: Uncertain significance. Last evaluated: 2023-04-26. Review status: criteria provided, single submitter. Criteria: GeneDx Variant Classification Process June 2021. Collection method: clinical testing. Allele origin: germline. Affected: yes.
Comment: In silico analysis supports that this missense variant has a deleterious effect on protein structure/function; Not observed at significant frequency in large population cohorts (gnomAD); Has not been previously published as pathogenic or benign to our knowledge